The following is an entry in ClinVar:

NM_021008.4(DEAF1):c.1538_1546del (p.Ser513_Cys515del)

Gene: DEAF1 (DEAF1 transcription factor; minus strand). Cytogenetic location: 11p15.5.
Variant type: Deletion.
Coding change: c.1538_1546del on transcript NM_021008.4 (MANE Select); coding-DNA positions 1538 to 1546, 9 bases deleted (GCGAGTGCA; older notation c.1538_1546delGCGAGTGCA).
Protein change: p.Ser513_Cys515del.
Molecular consequence: inframe deletion. On other transcripts: inframe indel (1).
Genome position (GRCh38, 1-based): chr11:654,009-654,017, TGCACTCGC deleted on the plus strand (GCGAGTGCA on the coding strand, the reverse complement: DEAF1 is on the minus strand); deleting any 9 consecutive bases within chr11:654,009-654,018 gives the same sequence; the c. name uses the placement nearest the transcript's 3' end. VCF-style (leftmost placement, unchanged base first): chr11-654008-GTGCACTCGC-G. GRCh37 (hg19) VCF-style: chr11-654008-GTGCACTCGC-G.
Other names: c.1312_1320delAGCGAGTGC, p.Ser438_Cys440del (NM_001293634.2); c.812_820del, p.Ser271_Cys273del (NM_001367390.1).
Identifiers: ClinVar variation 2861053 (VCV002861053.3), dbSNP rs2494258599, ClinGen allele CA2739276060.

ClinVar aggregate classification (germline): Uncertain significance (1 of 4 stars; one submission).

Submission:

Labcorp Genetics (formerly Invitae), Labcorp
Classification: Uncertain significance. Last evaluated: 2023-05-01. Review status: criteria provided, single submitter. Criteria: Invitae Variant Classification Sherloc (09022015). Collection method: clinical testing. Allele origin: germline.
Comment: This variant is not present in population databases (gnomAD no frequency). This variant, c.1538_1546del, results in the deletion of 3 amino acid(s) of the DEAF1 protein (p.Ser513_Cys515del), but otherwise preserves the integrity of the reading frame. This variant has not been reported in the literature in individuals affected with DEAF1-related conditions. In summary, the available evidence is currently insufficient to determine the role of this variant in disease. Therefore, it has been classified as a Variant of Uncertain Significance. Experimental studies and prediction algorithms are not available or were not evaluated, and the functional significance of this variant is currently unknown.